The following is an entry in ClinVar:

NM_001379500.1(COL18A1):c.3531C>A (p.Gly1177=)

Genes: COL18A1 (collagen type XVIII alpha 1 chain; plus strand), SLC19A1 (solute carrier family 19 member 1; minus strand). Cytogenetic location: 21q22.3.
Variant type: single nucleotide variant.
Coding change: c.3531C>A on transcript NM_001379500.1 (MANE Select); coding-DNA position 3531, C replaced by A.
Protein change: p.Gly1177=; no amino-acid change (glycine 1177 retained).
Molecular consequence: synonymous variant.
Genome position (GRCh38, 1-based): chr21:45,510,099, C>A. VCF-style: chr21-45510099-C-A. GRCh37 (hg19) VCF-style: chr21-46930013-C-A.
Other names: c.4062C>A, p.Gly1354= (NM_030582.4); c.4767C>A, p.Gly1589= (NM_130444.3); c.4062C>A (NM_030582.3).
Identifiers: ClinVar variation 1664790 (VCV001664790.9), dbSNP rs376208451, ClinGen allele CA513168467.
Genomic context (GRCh38, chr21:45,510,099, plus strand): 5'-CCGTGACGCGCCCCTCTCCCCGCAGCTCCACCTGGTTGCGCTCAACAGCCCCCTGTCAGG[C>A]GGCATGCGGGGCATCCGCGGGGCCGACTTCCAGTGCTTCCAGCAGGCGCGGGCCGTGGGG-3'
Protein context (NP_001366429.1, residues 1167-1187): HLVALNSPLS[Gly1177=]GMRGIRGADF

ClinVar aggregate classification (germline): Likely benign. Review status: criteria provided, multiple submitters, no conflicts (2 of 4 stars). 2 submissions from 2 submitters: Likely benign (2). Last evaluated 2025-04-28.

Conditions:
COL18A1-related disorder. Also called: COL18A1-related disorders; COL18A1-related condition.

gnomAD v4.1: 8 of 1,589,398 alleles (0.0005%); highest among the groups gnomAD compares: Admixed American, 0.0035%; no homozygotes.

Submissions (2):

Labcorp Genetics (formerly Invitae), Labcorp
Classification: Likely benign. Last evaluated: 2025-04-28. Review status: criteria provided, single submitter. Criteria: Invitae Variant Classification Sherloc (09022015). Collection method: clinical testing. Allele origin: germline.

PreventionGenetics, part of Exact Sciences
Classification: Likely benign for COL18A1-related condition. Last evaluated: 2025-04-08. Review status: criteria provided, single submitter. Criteria: ACMG Guidelines, 2015. Collection method: clinical testing. Allele origin: germline.
Comment: This variant is classified as likely benign based on ACMG/AMP sequence variant interpretation guidelines (Richards et al. 2015 PMID: 25741868, with internal and published modifications).